The following is an entry in ClinVar:

NM_001367561.1(DOCK7):c.2899G>C (p.Glu967Gln)

Gene: DOCK7 (dedicator of cytokinesis 7; minus strand). Cytogenetic location: 1p31.3.
Variant type: single nucleotide variant.
Coding change: c.2899G>C on transcript NM_001367561.1 (MANE Select); coding-DNA position 2899, G replaced by C.
Protein change: p.Glu967Gln; replaces glutamic acid 967 with glutamine.
Molecular consequence: missense variant.
Genome position (GRCh38, 1-based): chr1:62,543,706, C>G on the plus strand (G>C on the coding strand, the complement: DOCK7 is on the minus strand). VCF-style: chr1-62543706-C-G. GRCh37 (hg19) VCF-style: chr1-63009377-C-G.
Other names: c.2899G>C, p.Glu967Gln (NM_001271999.2, NM_001330614.2); c.2806G>C, p.Glu936Gln (NM_001272000.2, NM_001272001.2, NM_033407.4); short protein forms E967Q, E936Q.
Identifiers: ClinVar variation 934913 (VCV000934913.9), dbSNP rs1645609473, ClinGen allele CA340614660.
Genomic context (GRCh38, chr1:62,543,706, plus strand): 5'-ATGAATCTACCTTTTTAGTTGGTAAGCGTCCCGTTAATGTTTGTAAGAAACTTGACGTCT[C>G]TGTGTGCGAAGACATACGATTACAACTTCGATCCATAGCCTATGGAGTGAAGATGAATGA-3'
Protein context (NP_001354490.1, residues 957-977): RSCNRMSSHT[Glu967Gln]TSSFLQTLTG

ClinVar aggregate classification (germline): Uncertain significance (1 of 4 stars; one submission).

Conditions:
Developmental and epileptic encephalopathy, 23 (DEE23). Also called: Epileptic encephalopathy, early infantile, 23. Identifiers: Orphanet 411986, MedGen C4014492, MONDO:0014371, OMIM 615859.

Allele frequency attached by ClinVar (database versions not stated): gnomAD exomes below 0.00001.
gnomAD v4.1: 1 of 1,604,822 alleles (0.000062%); highest among the groups gnomAD compares: Non-Finnish European, 0.000085%; no homozygotes.

Submission:

Labcorp Genetics (formerly Invitae), Labcorp
Classification: Uncertain significance for Developmental and epileptic encephalopathy, 23. Last evaluated: 2022-06-04. Review status: criteria provided, single submitter. Criteria: Invitae Variant Classification Sherloc (09022015). Collection method: clinical testing. Allele origin: germline.
Comment: In summary, the available evidence is currently insufficient to determine the role of this variant in disease. Therefore, it has been classified as a Variant of Uncertain Significance. Algorithms developed to predict the effect of missense changes on protein structure and function are either unavailable or do not agree on the potential impact of this missense change (SIFT: "Tolerated"; PolyPhen-2: "Possibly Damaging"; Align-GVGD: "Class C0"). ClinVar contains an entry for this variant (Variation ID: 934913). This variant has not been reported in the literature in individuals affected with DOCK7-related conditions. This variant is not present in population databases (gnomAD no frequency). This sequence change replaces glutamic acid, which is acidic and polar, with glutamine, which is neutral and polar, at codon 967 of the DOCK7 protein (p.Glu967Gln).